The following is an entry in ClinVar:

ClinVar aggregate classification (germline): Pathogenic (1 of 4 stars; one submission).

Conditions:
Arrhythmogenic cardiomyopathy with wooly hair and keratoderma. Also called: Arrhythmogenic cardiomyopathy with woolly hair and keratoderma; PALMOPLANTAR KERATODERMA WITH LEFT VENTRICULAR CARDIOMYOPATHY AND WOOLLY HAIR; Dilated cardiomyopathy with woolly hair and keratoderma; Carvajal syndrome. Identifiers: Orphanet 65282, MedGen C1854063, MONDO:0011581, OMIM 605676.
Arrhythmogenic right ventricular dysplasia 8 (ARVD8). Also called: Arrhythmogenic Right Ventricular Dysplasia/Cardiomyopathy 8; ARRHYTHMOGENIC RIGHT VENTRICULAR DYSPLASIA, FAMILIAL, 8; ARRHYTHMOGENIC RIGHT VENTRICULAR CARDIOMYOPATHY 8. Identifiers: MedGen C1843896, MONDO:0011831, OMIM 607450.

Submission:

Labcorp Genetics (formerly Invitae), Labcorp
Classification: Pathogenic for Arrhythmogenic cardiomyopathy with wooly hair and keratoderma; Arrhythmogenic right ventricular dysplasia 8. Last evaluated: 2025-09-15. Review status: criteria provided, single submitter. Criteria: Invitae Variant Classification Sherloc (09022015). Collection method: clinical testing. Allele origin: germline.
Comment: This sequence change creates a premature translational stop signal (p.Val797Alafs*14) in the DSP gene. It is expected to result in an absent or disrupted protein product. Loss-of-function variants in DSP are known to be pathogenic (PMID: 20716751, 24503780, 25227139). This variant is present in population databases (rs754566092, gnomAD 0.0009%). This premature translational stop signal has been observed in individual(s) with dilated cardiomyopathy (PMID: 28416588). ClinVar contains an entry for this variant (Variation ID: 949606). For these reasons, this variant has been classified as Pathogenic.

Literature cited by the submitters: PubMed 20716751; PubMed 24503780; PubMed 25227139; PubMed 28416588.

NM_004415.4(DSP):c.2390_2393del (p.Val797fs)

Gene: DSP (desmoplakin; plus strand). Cytogenetic location: 6p24.3.
Variant type: Deletion.
Coding change: c.2390_2393del on transcript NM_004415.4 (MANE Select); coding-DNA positions 2390 to 2393, 4 bases deleted (TCTG; older notation c.2390_2393delTCTG).
Protein change: p.Val797fs; shifts the reading frame from valine 797.
Molecular consequence: frameshift variant.
Genome position (GRCh38, 1-based): chr6:7,574,749-7,574,752, TCTG deleted; deleting any 4 consecutive bases within chr6:7,574,746-7,574,752 gives the same sequence; the c. name uses the placement nearest the transcript's 3' end. VCF-style (leftmost placement, unchanged base first): chr6-7574745-ACTGT-A. GRCh37 (hg19) VCF-style: chr6-7574978-ACTGT-A.
Other names: c.2390_2393del, p.Val797fs (NM_001008844.3, NM_001319034.2); short protein forms V797fs.
Identifiers: ClinVar variation 949606 (VCV000949606.10), dbSNP rs754566092, ClinGen allele CA3628093.